The following is an entry in ClinVar:

ClinVar aggregate classification (germline): Likely benign (1 of 4 stars; one submission).

gnomAD v4.1: 2,932 of 1,614,214 alleles (0.18%); highest among the groups gnomAD compares: Non-Finnish European, 0.22%; 7 homozygotes.

Submission:

CeGaT Center for Human Genetics Tuebingen
Classification: Likely benign. Last evaluated: 2026-08-01. Review status: criteria provided, single submitter. Criteria: CeGaT Center For Human Genetics Tuebingen Variant Classification Criteria Version 2. Collection method: clinical testing. Allele origin: germline. Affected: yes. Observed: 1 variant allele.
Comment: PTTG1IP: BP4, BP7

NM_004339.4(PTTG1IP):c.384G>A (p.Lys128=)

Gene: PTTG1IP (PTTG1 interacting protein; minus strand). Cytogenetic location: 21q22.3.
Variant type: single nucleotide variant.
Coding change: c.384G>A on transcript NM_004339.4 (MANE Select); coding-DNA position 384, G replaced by A.
Protein change: p.Lys128=; no amino-acid change (lysine 128 retained).
Molecular consequence: synonymous variant. On other transcripts: non-coding transcript variant (1), intron variant (1).
Genome position (GRCh38, 1-based): chr21:44,856,258, C>T on the plus strand (G>A on the coding strand, the complement: PTTG1IP is on the minus strand). VCF-style: chr21-44856258-C-T. GRCh37 (hg19) VCF-style: chr21-46276173-C-T.
Other names: c.169-4631G>A (NM_001286822.2).
Identifiers: ClinVar variation 5038564 (VCV005038564.1).